The following is an entry in ClinVar:

ClinVar aggregate classification (germline): Pathogenic (1 of 4 stars; one submission).

Conditions:
Retinoblastoma (RB1). Also called: RETINOBLASTOMA, SOMATIC. Identifiers: Orphanet 790, MedGen C0035335, MeSH D012175, MONDO:0008380, OMIM 180200, HP:0009919. Disease mechanism: loss of function. Inheritance: Both sporadic and heritable forms are tested..

Submission:

Genetic Diagnostic Laboratory, University of Pennsylvania School of Medicine
Classification: Pathogenic for Retinoblastoma. Last evaluated: 2024-05-20. Review status: criteria provided, single submitter. Criteria: ACMG Guidelines, 2015. Collection method: clinical testing. Allele origin: germline. Affected: yes. Observed: 1 variant allele.
Comment: Case and Pedigree Information: BILATERAL CASES:1, UNILATERAL CASES:0, TOTAL CASES:1, PEDIGREES:1. ACMG Codes Applied:PVS1, PM2

NM_000321.3(RB1):c.963C>A (p.Tyr321Ter)

Gene: RB1 (RB transcriptional corepressor 1; plus strand). Cytogenetic location: 13q14.2.
Variant type: single nucleotide variant.
Coding change: c.963C>A on transcript NM_000321.3 (MANE Select); coding-DNA position 963, C replaced by A.
Protein change: p.Tyr321Ter; replaces tyrosine 321 with a stop codon.
Molecular consequence: nonsense.
Genome position (GRCh38, 1-based): chr13:48,367,517, C>A. VCF-style: chr13-48367517-C-A. GRCh37 (hg19) VCF-style: chr13-48941653-C-A.
Other names: c.963C>A, p.Tyr321Ter (NM_001407165.1, NM_001407166.1); short protein forms Y321*.
Identifiers: ClinVar variation 3236944 (VCV003236944.1), dbSNP rs377235036.